The following is an entry in ClinVar:

ClinVar aggregate classification (germline): Uncertain significance (1 of 4 stars; one submission).

Conditions:
Arginine:glycine amidinotransferase deficiency (CCDS3). Also called: L-Arginine:Glycine Amidinotransferase (AGAT) Deficiency; Creatine deficiency syndrome due to AGAT deficiency; GATM deficiency; Cerebral creatine deficiency syndrome 3; AGAT deficiency; L-Arginine:Glycine Amidinotransferase Deficiency. Identifiers: Orphanet 35704, MedGen C2675179, MONDO:0012996, OMIM 612718.

Submission:

Labcorp Genetics (formerly Invitae), Labcorp
Classification: Uncertain significance for Arginine:glycine amidinotransferase deficiency. Last evaluated: 2025-06-23. Review status: criteria provided, single submitter. Criteria: Invitae Variant Classification Sherloc (09022015). Collection method: clinical testing. Allele origin: germline.
Comment: This sequence change replaces serine, which is neutral and polar, with alanine, which is neutral and non-polar, at codon 49 of the GATM protein (p.Ser49Ala). This variant is not present in population databases (gnomAD no frequency). This variant has not been reported in the literature in individuals affected with GATM-related conditions. ClinVar contains an entry for this variant (Variation ID: 1475716). Invitae Evidence Modeling of protein sequence and biophysical properties (such as structural, functional, and spatial information, amino acid conservation, physicochemical variation, residue mobility, and thermodynamic stability) indicates that this missense variant is not expected to disrupt GATM protein function with a negative predictive value of 95%. In summary, the available evidence is currently insufficient to determine the role of this variant in disease. Therefore, it has been classified as a Variant of Uncertain Significance.

NM_001482.3(GATM):c.145T>G (p.Ser49Ala)

Gene: GATM (glycine amidinotransferase; minus strand). Cytogenetic location: 15q21.1.
Variant type: single nucleotide variant.
Coding change: c.145T>G on transcript NM_001482.3 (MANE Select); coding-DNA position 145, T replaced by G.
Protein change: p.Ser49Ala; replaces serine 49 with alanine.
Molecular consequence: missense variant. On other transcripts: 5 prime UTR variant (1).
Genome position (GRCh38, 1-based): chr15:45,376,744, A>C on the plus strand (T>G on the coding strand, the complement: GATM is on the minus strand). VCF-style: chr15-45376744-A-C. GRCh37 (hg19) VCF-style: chr15-45668942-A-C.
Other names: c.-243T>G (NM_001321015.2); short protein forms S49A.
Identifiers: ClinVar variation 1475716 (VCV001475716.8), dbSNP rs796052537, ClinGen allele CA270173192.